The following is an entry in ClinVar:

ClinVar aggregate classification (germline): Likely benign (1 of 4 stars; one submission).

Allele frequency attached by ClinVar (database versions not stated): ESP Exome Variant Server 0.00177; gnomAD 0.00197; 1000 Genomes Project 0.00200; 1000 Genomes Project 30x 0.00203; gnomAD exomes 0.00223; ExAC 0.00247; TOPMed 0.00254.
gnomAD v4.1: 3,613 of 1,614,198 alleles (0.22%); highest among the groups gnomAD compares: Middle Eastern, 1.6%; 17 homozygotes.

Submission:

CeGaT Center for Human Genetics Tuebingen
Classification: Likely benign. Last evaluated: 2022-07-01. Review status: criteria provided, single submitter. Criteria: CeGaT Center For Human Genetics Tuebingen Variant Classification Criteria Version 2. Collection method: clinical testing. Allele origin: germline. Affected: yes. Observed: 1 variant allele.
Comment: DBNL: BP4

NM_001014436.3(DBNL):c.707C>T (p.Thr236Met)

Gene: DBNL (drebrin like; plus strand). Cytogenetic location: 7p13.
Variant type: single nucleotide variant.
Coding change: c.707C>T on transcript NM_001014436.3 (MANE Select); coding-DNA position 707, C replaced by T.
Protein change: p.Thr236Met; replaces threonine 236 with methionine.
Molecular consequence: missense variant.
Genome position (GRCh38, 1-based): chr7:44,058,434, C>T. VCF-style: chr7-44058434-C-T. GRCh37 (hg19) VCF-style: chr7-44098033-C-T.
Other names: c.710C>T, p.Thr237Met (NM_001122956.2, NM_014063.7); c.398C>T, p.Thr133Met (NM_001284313.2); c.425C>T, p.Thr142Met (NM_001284315.2); c.707C>T, p.Thr236Met (NM_001362723.2); short protein forms T133M, T142M, T236M, T237M.
Identifiers: ClinVar variation 2657418 (VCV002657418.24), dbSNP rs147233974, ClinGen allele CA4236265.